The following is an entry in ClinVar:

NM_015557.3(CHD5):c.3110G>A (p.Arg1037Gln)

Gene: CHD5 (chromodomain helicase DNA binding protein 5; minus strand). Cytogenetic location: 1p36.31.
Variant type: single nucleotide variant.
Coding change: c.3110G>A on transcript NM_015557.3 (MANE Select); coding-DNA position 3110, G replaced by A.
Protein change: p.Arg1037Gln; replaces arginine 1037 with glutamine.
Molecular consequence: missense variant.
Genome position (GRCh38, 1-based): chr1:6,134,162, C>T on the plus strand (G>A on the coding strand, the complement: CHD5 is on the minus strand). VCF-style: chr1-6134162-C-T. GRCh37 (hg19) VCF-style: chr1-6194222-C-T.
Other names: short protein forms R1037Q.
Identifiers: ClinVar variation 4885159 (VCV004885159.2).

ClinVar aggregate classification (germline): Uncertain significance (1 of 4 stars; one submission).

gnomAD v4.1: 6 of 1,613,722 alleles (0.00037%); highest among the groups gnomAD compares: African/African-American, 0.0027%; no homozygotes.

Submission:

Dasa
Classification: Uncertain significance. Last evaluated: 2026-01-30. Review status: criteria provided, single submitter. Criteria: DASA Assertion Criteria. Collection method: clinical testing. Allele origin: germline.
Comment: NM_015557.3(CHD5):c.3110G>A (p.Arg1037Gln) is a missense variant that results in the substitution of arginine with glutamine. This variant is rare in population databases. The currently available literature and clinical evidence are not sufficient to establish a definitive association between this variant and the reported condition. Therefore, this variant is classified as a variant of uncertain significance.